The following is an entry in ClinVar:

NM_003738.5(PTCH2):c.1930_1931insGGGGGGG (p.Asp644fs)

Gene: PTCH2 (patched 2; minus strand). Cytogenetic location: 1p34.1.
Variant type: Insertion.
Coding change: c.1930_1931insGGGGGGG on transcript NM_003738.5 (MANE Select); coding-DNA positions 1930 to 1931, GGGGGGG inserted.
Protein change: p.Asp644fs; shifts the reading frame from aspartic acid 644.
Molecular consequence: frameshift variant.
Genome position: GRCh38 VCF-style: chr1-44827970-T-TCCCCCCC. GRCh37 (hg19) VCF-style: chr1-45293642-T-TCCCCCCC.
Other names: c.1930_1931insGGGGGGG, p.Asp644fs (NM_001166292.2); short protein forms D644fs.
Identifiers: ClinVar variation 2746674 (VCV002746674.3), dbSNP rs762665624, ClinGen allele CA21745129.

ClinVar aggregate classification (germline): Uncertain significance (1 of 4 stars; one submission).

Conditions:
Gorlin syndrome. Also called: Basal cell nevus syndrome; Nevoid Basal Cell Carcinoma Syndrome. Identifiers: Orphanet 377, MedGen C0004779, MONDO:0007187.

Submission:

Labcorp Genetics (formerly Invitae), Labcorp
Classification: Uncertain significance for Gorlin syndrome. Last evaluated: 2023-04-08. Review status: criteria provided, single submitter. Criteria: Invitae Variant Classification Sherloc (09022015). Collection method: clinical testing. Allele origin: germline.
Comment: This variant has not been reported in the literature in individuals affected with PTCH2-related conditions. In summary, the available evidence is currently insufficient to determine the role of this variant in disease. Therefore, it has been classified as a Variant of Uncertain Significance. Algorithms developed to predict the effect of sequence changes on RNA splicing suggest that this variant may create or strengthen a splice site. This variant is not present in population databases (gnomAD no frequency). This sequence change creates a premature translational stop signal (p.Asp644Glyfs*45) in the PTCH2 gene. It is expected to result in an absent or disrupted protein product. However, the current clinical and genetic evidence is not sufficient to establish whether loss-of-function variants in PTCH2 cause disease.